The following is an entry in ClinVar:

NM_018136.5(ASPM):c.7475G>A (p.Arg2492Lys)

Gene: ASPM (assembly factor for spindle microtubules; minus strand). Cytogenetic location: 1q31.3.
Variant type: single nucleotide variant.
Coding change: c.7475G>A on transcript NM_018136.5 (MANE Select); coding-DNA position 7475, G replaced by A.
Protein change: p.Arg2492Lys; replaces arginine 2492 with lysine.
Molecular consequence: missense variant. On other transcripts: intron variant (1).
Genome position (GRCh38, 1-based): chr1:197,101,776, C>T on the plus strand (G>A on the coding strand, the complement: ASPM is on the minus strand). VCF-style: chr1-197101776-C-T. GRCh37 (hg19) VCF-style: chr1-197070906-C-T.
Other names: c.4066-5612G>A (NM_001206846.2); short protein forms R2492K.
Identifiers: ClinVar variation 194879 (VCV000194879.24), dbSNP rs118010078, ClinGen allele CA201410.

ClinVar aggregate classification (germline): Conflicting classifications of pathogenicity. Review status: criteria provided, conflicting classifications (1 of 4 stars). 6 submissions from 6 submitters: Uncertain significance (1); Benign (2); Likely benign (2). 1 of the submissions does not count toward it. Last evaluated 2025-12-15.

Conditions:
ASPM-related disorder. Also called: ASPM-related condition.
Microcephaly 5, primary, autosomal recessive (MCPH5). Also called: ASPM Primary Microcephaly. Identifiers: Orphanet 2512, MedGen C1837501, MONDO:0012106, OMIM 608716.

Allele frequency attached by ClinVar (database versions not stated): gnomAD exomes 0.00030 and 0.00099; gnomAD 0.00037 and 0.00045; TOPMed 0.00040; ExAC 0.00088; 1000 Genomes Project 30x 0.00109; 1000 Genomes Project 0.00140.
gnomAD v4.1: 519 of 1,612,624 alleles (0.032%); highest among the groups gnomAD compares: East Asian, 1.1%; 5 homozygotes.

Submissions (7):

Labcorp Genetics (formerly Invitae), Labcorp
Classification: Benign. Last evaluated: 2025-12-15. Review status: criteria provided, single submitter. Criteria: Invitae Variant Classification Sherloc (09022015). Collection method: clinical testing. Allele origin: germline.

Blueprint Genetics
Classification: Likely benign. Last evaluated: 2024-11-20. Review status: criteria provided, single submitter. Criteria: ACMG Guidelines, 2015. Collection method: clinical testing. Allele origin: germline.

Illumina Laboratory Services, Illumina
Classification: Likely benign for Microcephaly 5, primary, autosomal recessive. Last evaluated: 2018-01-13. Review status: criteria provided, single submitter. Criteria: ICSL Variant Classification Criteria 13 December 2019. Collection method: clinical testing. Allele origin: germline.
Comment: This variant was observed in the ICSL laboratory as part of a predisposition screen in an ostensibly healthy population. It had not been previously curated by ICSL or reported in the Human Gene Mutation Database (HGMD: prior to June 1st, 2018), and was therefore a candidate for classification through an automated scoring system. Utilizing variant allele frequency, disease prevalence and penetrance estimates, and inheritance mode, an automated score was calculated to assess if this variant is too frequent to cause the disease. Based on the score and internal cut-off values, a variant classified as likely benign is not then subjected to further curation. The score for this variant resulted in a classification of likely benign for this disease.

Eurofins Ntd Llc (ga)
Classification: Benign. Last evaluated: 2015-05-14. Review status: criteria provided, single submitter. Criteria: EGL Classification Definitions 2015. Collection method: clinical testing. Allele origin: germline. Observed: 1 variant allele, 1 heterozygote.

GeneDx
Classification: Uncertain significance. Last evaluated: 2014-10-10. Review status: criteria provided, single submitter. Criteria: GeneDx Variant Classification (06012015). Collection method: clinical testing. Allele origin: germline. Affected: yes.
Comment: The R2492K variant has not been published as a mutation, nor has it been reported as a benign polymorphism to our knowledge. It was not observed in approximately 6,500 individuals of European and African American ancestry in the NHLBI Exome Sequencing Project, but the 1000 Genomes Project reports R2492K was observed in 2/178 (1.1%) alleles from individuals of Japanese background and in 1/194 (0.5%) alleles from individuals of Han Chinese background. The R2492K variant is a conservative amino acid substitution, which is not likely to impact secondary protein structure as these residues share similar properties. This substitution occurs at a position that is conserved across species; however Lysine has been observed at this position in one species in distant evolution. In silico analysis is inconsistent in its predictions as to whether or not the variant is damaging to the protein structure/function. Therefore, based on the currently available information, it is unclear whether this variant is a pathogenic mutation or a rare benign variant.

PreventionGenetics, part of Exact Sciences
Classification: Benign for ASPM-related condition. Last evaluated: 2019-10-03. Review status: no assertion criteria provided. Collection method: clinical testing. Allele origin: germline. Not counted in ClinVar's aggregate classification.
Comment: This variant is classified as benign based on ACMG/AMP sequence variant interpretation guidelines (Richards et al. 2015 PMID: 25741868, with internal and published modifications).

Dr. Peter K. Rogan Lab, Western University
No classification provided (evidence only). Condition: Malignant tumor of esophagus. Review status: no classification provided. Collection method: in vitro. Allele origin: not applicable. Functional consequence: skipped exon. Not counted in ClinVar's aggregate classification.